The following is an entry in ClinVar:

ClinVar aggregate classification (germline): Uncertain significance. Review status: criteria provided, multiple submitters, no conflicts (2 of 4 stars). 2 submissions from 2 submitters: Uncertain significance (2). Last evaluated 2025-11-17.

Conditions:
Familial thoracic aortic aneurysm and aortic dissection (TAAD). Also called: Thoracic aortic aneurysms and dissections. Identifiers: Orphanet 91387, MedGen C4707243, MONDO:0019625.
Aortic aneurysm, familial thoracic 7 (AAT7). Also called: AORTIC DISSECTION, FAMILIAL, WITH OR WITHOUT AORTIC ANEURYSM. Identifiers: MedGen C3151077, MONDO:0013418, OMIM 613780.

Allele frequency attached by ClinVar (database versions not stated): gnomAD exomes below 0.00001; TOPMed 0.00002.
gnomAD v4.1: 1 of 1,614,238 alleles (0.000062%); highest among the groups gnomAD compares: Non-Finnish European, 0.000085%; no homozygotes.

Submissions (2):

Labcorp Genetics (formerly Invitae), Labcorp
Classification: Uncertain significance for Aortic aneurysm, familial thoracic 7. Last evaluated: 2025-11-17. Review status: criteria provided, single submitter. Criteria: Invitae Variant Classification Sherloc (09022015). Collection method: clinical testing. Allele origin: germline.
Comment: This sequence change replaces serine, which is neutral and polar, with threonine, which is neutral and polar, at codon 1499 of the MYLK protein (p.Ser1499Thr). This variant is not present in population databases (gnomAD no frequency). This variant has not been reported in the literature in individuals affected with MYLK-related conditions. ClinVar contains an entry for this variant (Variation ID: 2912060). Invitae Evidence Modeling of protein sequence and biophysical properties (such as structural, functional, and spatial information, amino acid conservation, physicochemical variation, residue mobility, and thermodynamic stability) indicates that this missense variant is not expected to disrupt MYLK protein function with a negative predictive value of 80%. In summary, the available evidence is currently insufficient to determine the role of this variant in disease. Therefore, it has been classified as a Variant of Uncertain Significance.

Ambry Genetics
Classification: Uncertain significance for Familial thoracic aortic aneurysm and aortic dissection. Last evaluated: 2023-11-21. Review status: criteria provided, single submitter. Criteria: Ambry Variant Classification Scheme 2023. Collection method: clinical testing. Allele origin: germline.
Comment: The p.S1499T variant (also known as c.4495T>A), located in coding exon 24 of the MYLK gene, results from a T to A substitution at nucleotide position 4495. The serine at codon 1499 is replaced by threonine, an amino acid with similar properties. This amino acid position is conserved. In addition, the in silico prediction for this alteration is inconclusive. Since supporting evidence is limited at this time, the clinical significance of this alteration remains unclear.

NM_053025.4(MYLK):c.4495T>A (p.Ser1499Thr)

Gene: MYLK (myosin light chain kinase; minus strand). Cytogenetic location: 3q21.1.
Variant type: single nucleotide variant.
Coding change: c.4495T>A on transcript NM_053025.4 (MANE Select); coding-DNA position 4495, T replaced by A.
Protein change: p.Ser1499Thr; replaces serine 1499 with threonine.
Molecular consequence: missense variant.
Genome position (GRCh38, 1-based): chr3:123,647,348, A>T on the plus strand (T>A on the coding strand, the complement: MYLK is on the minus strand). VCF-style: chr3-123647348-A-T. GRCh37 (hg19) VCF-style: chr3-123366195-A-T.
Other names: c.4495T>A (NM_053025.3); c.3967T>A, p.Ser1323Thr (NM_001321309.2); c.4288T>A, p.Ser1430Thr (NM_053026.4, NM_053028.4); c.4495T>A, p.Ser1499Thr (NM_053027.4); short protein forms S1323T, S1430T, S1499T.
Identifiers: ClinVar variation 2912060 (VCV002912060.4), dbSNP rs2059056203, ClinGen allele CA354227224.